The following is an entry in ClinVar:

NM_022455.5(NSD1):c.140C>G (p.Thr47Ser)

Gene: NSD1 (nuclear receptor binding SET domain protein 1; plus strand). Cytogenetic location: 5q35.3.
Variant type: single nucleotide variant.
Coding change: c.140C>G on transcript NM_022455.5 (MANE Select); coding-DNA position 140, C replaced by G.
Protein change: p.Thr47Ser; replaces threonine 47 with serine.
Molecular consequence: missense variant. On other transcripts: intron variant (7).
Genome position (GRCh38, 1-based): chr5:177,135,243, C>G. VCF-style: chr5-177135243-C-G. GRCh37 (hg19) VCF-style: chr5-176562244-C-G.
Other names: c.140C>G, p.Thr47Ser (NM_001409301.1, NM_001409302.1, NM_001409303.1 and 1 more transcripts); c.-37+43C>G (NM_001409305.1, NM_001409306.1, NM_001409308.1 and 4 more transcripts); short protein forms T47S.
Identifiers: ClinVar variation 588341 (VCV000588341.5), dbSNP rs1562097679, ClinGen allele CA362290917.

ClinVar aggregate classification (germline): Uncertain significance (1 of 4 stars; one submission).

Conditions:
Inborn genetic diseases. Identifiers: MedGen C0950123, MeSH D030342.

Submission:

Ambry Genetics
Classification: Uncertain significance for Inborn genetic diseases. Last evaluated: 2017-02-03. Review status: criteria provided, single submitter. Criteria: Ambry Variant Classification Scheme 2023. Collection method: clinical testing. Allele origin: germline.
Comment: The p.T47S variant (also known as c.140C>G), located in coding exon 1 of the NSD1 gene, results from a C to G substitution at nucleotide position 140. The threonine at codon 47 is replaced by serine, an amino acid with similar properties. This amino acid position is well conserved in available vertebrate species. In addition, this alteration is predicted to be tolerated by in silico analysis. Since supporting evidence is limited at this time, the clinical significance of this variant remains unclear.